The following is an entry in ClinVar:

NM_004360.5(CDH1):c.833-13T>G

Gene: CDH1 (cadherin 1; plus strand). Cytogenetic location: 16q22.1.
Variant type: single nucleotide variant.
Coding change: c.833-13T>G on transcript NM_004360.5 (MANE Select); 13 bases into the intron before coding-DNA position 833, T replaced by G.
Molecular consequence: intron variant.
Genome position (GRCh38, 1-based): chr16:68,811,671, T>G. VCF-style: chr16-68811671-T-G. GRCh37 (hg19) VCF-style: chr16-68845574-T-G.
Other names: c.-783-13T>G (NM_001317185.2); c.-987-13T>G (NM_001317186.2); c.833-13T>G (NM_001317184.2).
Identifiers: ClinVar variation 3703681 (VCV003703681.2).

ClinVar aggregate classification (germline): Uncertain significance (1 of 4 stars; one submission).

Conditions:
Hereditary diffuse gastric adenocarcinoma (HDGC). Also called: DIFFUSE GASTRIC AND LOBULAR BREAST CANCER SYNDROME. Identifiers: Orphanet 26106, MedGen C1708349, MONDO:0007648, OMIM 137215.

gnomAD v4.1: 1 of 1,613,208 alleles (0.000062%); highest among the groups gnomAD compares: South Asian, 0.0011%; no homozygotes.

Submission:

Labcorp Genetics (formerly Invitae), Labcorp
Classification: Uncertain significance for Hereditary diffuse gastric adenocarcinoma. Last evaluated: 2024-08-07. Review status: criteria provided, single submitter. Criteria: Invitae Variant Classification Sherloc (09022015). Collection method: clinical testing. Allele origin: germline.
Comment: This sequence change falls in intron 6 of the CDH1 gene. It does not directly change the encoded amino acid sequence of the CDH1 protein. This variant is present in population databases (no rsID available, gnomAD 0.003%). This variant has not been reported in the literature in individuals affected with CDH1-related conditions. Algorithms developed to predict the effect of sequence changes on RNA splicing suggest that this variant may create or strengthen a splice site. In summary, the available evidence is currently insufficient to determine the role of this variant in disease. Therefore, it has been classified as a Variant of Uncertain Significance.